The following is an entry in ClinVar:

ClinVar aggregate classification (germline): Uncertain significance. Review status: criteria provided, multiple submitters, no conflicts (2 of 4 stars). 3 submissions from 3 submitters: Uncertain significance (3). Last evaluated 2026-07-01.

Conditions:
Familial thoracic aortic aneurysm and aortic dissection (TAAD). Also called: Thoracic aortic aneurysms and dissections. Identifiers: Orphanet 91387, MedGen C4707243, MONDO:0019625.

Allele frequency attached by ClinVar (database versions not stated): gnomAD exomes below 0.00001.
gnomAD v4.1: 1 of 1,613,902 alleles (0.000062%); highest among the groups gnomAD compares: Non-Finnish European, 0.000085%; no homozygotes.

Submissions (3):

Ambry Genetics
Classification: Uncertain significance for Familial thoracic aortic aneurysm and aortic dissection. Last evaluated: 2026-07-01. Review status: criteria provided, single submitter. Criteria: Ambry Variant Classification Scheme 2023. Collection method: clinical testing. Allele origin: germline.
Comment: The p.E1033A variant (also known as c.3098A>C), located in coding exon 23 of the MYH11 gene, results from an A to C substitution at nucleotide position 3098. The glutamic acid at codon 1033 is replaced by alanine, an amino acid with dissimilar properties. This amino acid position is conserved. In addition, this alteration is predicted to be deleterious by in silico analysis. Based on the available evidence, the clinical significance of this variant remains unclear.

All of Us Research Program, National Institutes of Health
Classification: Uncertain significance for Familial thoracic aortic aneurysm and aortic dissection. Last evaluated: 2023-12-14. Review status: criteria provided, single submitter. Criteria: ACMG Guidelines, 2015. Collection method: clinical testing. Allele origin: germline. Inheritance: Autosomal dominant inheritance. Observed: 1 variant allele, 1 heterozygote.
Comment: Variant of Uncertain Significance due to insufficient evidence: This missense variant replaces glutamic acid with alanine at codon 1040 of the MYH11 protein. Computational prediction tools and conservation analyses suggest that this variant may have deleterious impact on the protein function. Computational splicing tools suggest that this variant may not impact RNA splicing. To our knowledge, functional assays have not been performed for this variant nor has this variant been reported in individuals affected with cardiovascular disorders in the literature. This variant is rare in the general population and has been identified in 0/277264 chromosomes by the Genome Aggregation Database (gnomAD). Available evidence is insufficient to determine the role of this variant in disease conclusively.

This study involves interpretation of variants in research participants for the purpose of population health screening. Participant phenotype was not available at the time of variant classification. Additional details can be found in publication PMID: 35346344, PMCID: PMC8962531

Color Diagnostics, LLC DBA Color Health
Classification: Uncertain significance for Familial thoracic aortic aneurysm and aortic dissection. Last evaluated: 2023-12-05. Review status: criteria provided, single submitter. Criteria: ACMG Guidelines, 2015. Collection method: clinical testing. Allele origin: germline.
Comment: Variant of Uncertain Significance due to insufficient evidence: This missense variant replaces glutamic acid with alanine at codon 1040 of the MYH11 protein. Computational prediction tools and conservation analyses suggest that this variant may have deleterious impact on the protein function. Computational splicing tools suggest that this variant may not impact RNA splicing. To our knowledge, functional assays have not been performed for this variant nor has this variant been reported in individuals affected with cardiovascular disorders in the literature. This variant is rare in the general population and has been identified in 0/277264 chromosomes by the Genome Aggregation Database (gnomAD). Available evidence is insufficient to determine the role of this variant in disease conclusively.

NM_002474.3(MYH11):c.3098A>C (p.Glu1033Ala)

Gene: MYH11 (myosin heavy chain 11; minus strand). Cytogenetic location: 16p13.11.
Variant type: single nucleotide variant.
Coding change: c.3098A>C on transcript NM_002474.3 (MANE Select); coding-DNA position 3098, A replaced by C.
Protein change: p.Glu1033Ala; replaces glutamic acid 1033 with alanine.
Molecular consequence: missense variant.
Genome position (GRCh38, 1-based): chr16:15,738,588, T>G on the plus strand (A>C on the coding strand, the complement: MYH11 is on the minus strand). VCF-style: chr16-15738588-T-G. GRCh37 (hg19) VCF-style: chr16-15832445-T-G.
Other names: c.3119A>C, p.Glu1040Ala (NM_001040113.2, NM_001040114.2); c.3098A>C, p.Glu1033Ala (NM_022844.3); c.3098A>C (NM_002474.2); short protein forms E1033A, E1040A.
Identifiers: ClinVar variation 923412 (VCV000923412.7), dbSNP rs2041188615, ClinGen allele CA394863658.
Genomic context (GRCh38, chr16:15,738,588, plus strand): 5'-AATAAAATAAAAATAAATCTCTTGGTAGCTGGTTTACCTTCCAGTTCTGAAATCATAGAT[T>G]CATGCTTGTTTTTCAGCTTGGTAAGATTCTTGGCCTTTTCTTCCTCTTCTGCAAGATTTG-3'
Protein context (NP_002465.1, residues 1023-1043): KNLTKLKNKH[Glu1033Ala]SMISELEVRL